The following is an entry in ClinVar:

ClinVar aggregate classification (germline): Uncertain significance (1 of 4 stars; one submission).

Conditions:
Acrocallosal syndrome (ACLS). Also called: HALLUX DUPLICATION, POSTAXIAL POLYDACTYLY, AND ABSENCE OF CORPUS CALLOSUM; Schinzel syndrome 1; Absence of corpus callosum with unusual facial appearance, mental deficiency, duplication of the halluces and polydactyly. Identifiers: Orphanet 36, MedGen C0796147, MONDO:0008708, OMIM 200990.

Submission:

Labcorp Genetics (formerly Invitae), Labcorp
Classification: Uncertain significance for Acrocallosal syndrome. Last evaluated: 2025-04-17. Review status: criteria provided, single submitter. Criteria: Invitae Variant Classification Sherloc (09022015). Collection method: clinical testing. Allele origin: germline.
Comment: This sequence change replaces alanine, which is neutral and non-polar, with threonine, which is neutral and polar, at codon 757 of the KIF7 protein (p.Ala757Thr). This variant is not present in population databases (gnomAD no frequency). This variant has not been reported in the literature in individuals affected with KIF7-related conditions. ClinVar contains an entry for this variant (Variation ID: 2740257). Invitae Evidence Modeling of protein sequence and biophysical properties (such as structural, functional, and spatial information, amino acid conservation, physicochemical variation, residue mobility, and thermodynamic stability) indicates that this missense variant is not expected to disrupt KIF7 protein function with a negative predictive value of 80%. In summary, the available evidence is currently insufficient to determine the role of this variant in disease. Therefore, it has been classified as a Variant of Uncertain Significance.

NM_198525.3(KIF7):c.2269G>A (p.Ala757Thr)

Gene: KIF7 (kinesin family member 7; minus strand). Cytogenetic location: 15q26.1.
Variant type: single nucleotide variant.
Coding change: c.2269G>A on transcript NM_198525.3 (MANE Select); coding-DNA position 2269, G replaced by A.
Protein change: p.Ala757Thr; replaces alanine 757 with threonine.
Molecular consequence: missense variant.
Genome position (GRCh38, 1-based): chr15:89,642,328, C>T on the plus strand (G>A on the coding strand, the complement: KIF7 is on the minus strand). VCF-style: chr15-89642328-C-T. GRCh37 (hg19) VCF-style: chr15-90185559-C-T.
Other names: short protein forms A757T.
Identifiers: ClinVar variation 2740257 (VCV002740257.3), dbSNP rs2505469521, ClinGen allele CA393762017.
Genomic context (GRCh38, chr15:89,642,328, plus strand): 5'-CATCCTGGAGCTCCTTGCCCTCGAGCTCCCGCAGCTGCCTCTGGCCTTCACTCAGCTCGG[C>T]CCGCACCTGCTCTGCCTCCTGCTCCAGCTCCCGGATACGCTGGCTGTGCTGGCGGTTCAG-3'
Protein context (NP_940927.2, residues 747-767): ELEQEAEQVR[Ala757Thr]ELSEGQRQLR